The following is an entry in ClinVar:

ClinVar aggregate classification (germline): Uncertain significance. Review status: criteria provided, multiple submitters, no conflicts (2 of 4 stars). 6 submissions from 6 submitters: Uncertain significance (5). 1 of the submissions does not count toward it. Last evaluated 2025-06-04.

Conditions:
Disorders of Intracellular Cobalamin Metabolism. Identifiers: MedGen CN043592.
Methylcobalamin deficiency type cblG (HMAG). Also called: HOMOCYSTINURIA-MEGALOBLASTIC ANEMIA, cblG TYPE; HOMOCYSTINURIA-MEGALOBLASTIC ANEMIA, cblG COMPLEMENTATION TYPE; Functional methionine synthase deficiency type cblG; HOMOCYSTINURIA-MEGALOBLASTIC ANEMIA DUE TO DEFECT IN COBALAMIN METABOLISM, cblG COMPLEMENTATION TYPE. Identifiers: Orphanet 2170, Orphanet 622, MedGen C1855128, MONDO:0009609, OMIM 250940.
Intellectual disability. Also called: Intellectual developmental disorder; Intellectual functioning disability; intellectual disabilities. Identifiers: MedGen C3714756, MeSH D008607, MONDO:0001071, HP:0001249.

Allele frequency attached by ClinVar (database versions not stated): ESP Exome Variant Server 0.00085; gnomAD 0.00085 and 0.00091; TOPMed 0.00088; gnomAD exomes 0.00094 and 0.00130; ExAC 0.00110.
gnomAD v4.1: 2,013 of 1,613,836 alleles (0.12%); highest among the groups gnomAD compares: Non-Finnish European, 0.15%; no homozygotes.

Submissions (6):

GeneDx
Classification: Uncertain significance. Last evaluated: 2025-06-04. Review status: criteria provided, single submitter. Criteria: GeneDx Variant Classification Process June 2021. Collection method: clinical testing. Allele origin: germline. Affected: yes.
Comment: In silico analysis supports that this missense variant has a deleterious effect on protein structure/function; Has not been previously published as pathogenic or benign to our knowledge

Labcorp Genetics (formerly Invitae), Labcorp
Classification: Uncertain significance for Methylcobalamin deficiency type cblG. Last evaluated: 2025-01-06. Review status: criteria provided, single submitter. Criteria: Invitae Variant Classification Sherloc (09022015). Collection method: clinical testing. Allele origin: germline.
Comment: This sequence change replaces proline, which is neutral and non-polar, with serine, which is neutral and polar, at codon 749 of the MTR protein (p.Pro749Ser). This variant is present in population databases (rs142250261, gnomAD 0.2%), and has an allele count higher than expected for a pathogenic variant. This variant has not been reported in the literature in individuals affected with MTR-related conditions. ClinVar contains an entry for this variant (Variation ID: 296568). Invitae Evidence Modeling of protein sequence and biophysical properties (such as structural, functional, and spatial information, amino acid conservation, physicochemical variation, residue mobility, and thermodynamic stability) indicates that this missense variant is expected to disrupt MTR protein function with a positive predictive value of 95%. In summary, the available evidence is currently insufficient to determine the role of this variant in disease. Therefore, it has been classified as a Variant of Uncertain Significance.

Blueprint Genetics
Classification: Uncertain significance. Last evaluated: 2024-11-23. Review status: criteria provided, single submitter. Criteria: ACMG Guidelines, 2015. Collection method: clinical testing. Allele origin: germline.

Illumina Laboratory Services, Illumina
Classification: Uncertain significance for Disorders of Intracellular Cobalamin Metabolism. Last evaluated: 2018-01-12. Review status: criteria provided, single submitter. Criteria: ICSL Variant Classification Criteria 13 December 2019. Collection method: clinical testing. Allele origin: germline.

ARUP Laboratories, Molecular Genetics and Genomics, ARUP Laboratories
Classification: Uncertain significance. Last evaluated: 2017-12-04. Review status: criteria provided, single submitter. Criteria: ARUP Molecular Germline Variant Investigation Process. Collection method: clinical testing. Allele origin: germline.
Comment: The p.Pro749Ser variant (rs142250261) has not been reported in the medical literature, gene specific variation databases, nor has it been previously identified by our laboratory. This variant is listed in the Genome Aggregation Database (gnomAD) with an overall population frequency of 0.1 percent (identified on 255 out of 277,042 chromosomes), and has been reported to the ClinVar database as a variant of uncertain significance (Variation ID: 296568). The proline at position 749 is highly conserved considering 12 species (Alamut v2.10) and computational analyses of the p.Pro749Ser variant on protein structure and function indicate a deleterious effect (SIFT: damaging, MutationTaster: disease causing, PolyPhen-2: probably damaging). Altogether, there is not enough evidence to classify the p.Pro749Ser variant with certainty.

Centre de Biologie Pathologie Génétique, Centre Hospitalier Universitaire de Lille
Classification: Uncertain significance for Intellectual disability. Last evaluated: 2019-01-01. Review status: no assertion criteria provided. Collection method: clinical testing. Allele origin: unknown. Affected: yes. Not counted in ClinVar's aggregate classification.

NM_000254.3(MTR):c.2245C>T (p.Pro749Ser)

Gene: MTR (5-methyltetrahydrofolate-homocysteine methyltransferase; plus strand). Cytogenetic location: 1q43.
Variant type: single nucleotide variant.
Coding change: c.2245C>T on transcript NM_000254.3 (MANE Select); coding-DNA position 2245, C replaced by T.
Protein change: p.Pro749Ser; replaces proline 749 with serine.
Molecular consequence: missense variant.
Genome position (GRCh38, 1-based): chr1:236,862,284, C>T. VCF-style: chr1-236862284-C-T. GRCh37 (hg19) VCF-style: chr1-237025584-C-T.
Other names: c.2092C>T, p.Pro698Ser (NM_001291939.1); c.1024C>T, p.Pro342Ser (NM_001291940.2); short protein forms P749S, P698S, P342S.
Identifiers: ClinVar variation 296568 (VCV000296568.22), dbSNP rs142250261, ClinGen allele CA1474326.